The following is an entry in ClinVar:

NM_000393.5(COL5A2):c.2931+18G>T

Gene: COL5A2 (collagen type V alpha 2 chain; minus strand). Cytogenetic location: 2q32.2.
Variant type: single nucleotide variant.
Coding change: c.2931+18G>T on transcript NM_000393.5 (MANE Select); 18 bases into the intron after coding-DNA position 2931, G replaced by T.
Molecular consequence: intron variant.
Genome position (GRCh38, 1-based): chr2:189,051,302, C>A on the plus strand (G>T on the coding strand, the complement: COL5A2 is on the minus strand). VCF-style: chr2-189051302-C-A. GRCh37 (hg19) VCF-style: chr2-189916028-C-A.
Identifiers: ClinVar variation 4525738 (VCV004525738.1).

ClinVar aggregate classification (germline): Likely benign (1 of 4 stars; one submission).

gnomAD v4.1: 1 of 1,613,944 alleles (0.000062%); highest among the groups gnomAD compares: Non-Finnish European, 0.000085%; no homozygotes.

Submission:

Women's Health and Genetics/Laboratory Corporation of America, LabCorp
Classification: Likely benign. Last evaluated: 2025-07-21. Review status: criteria provided, single submitter. Criteria: LabCorp Variant Classification Summary - May 2015. Collection method: clinical testing. Allele origin: germline.
Comment: Variant summary: COL5A2 c.2931+18G>T alters a non-conserved nucleotide located at a position not widely known to affect splicing. Consensus agreement among computation tools predict no significant impact on normal splicing. However, these predictions have yet to be confirmed by functional studies. The variant was absent in 251338 control chromosomes. The available data on variant occurrences in the general population are insufficient to allow any conclusion about variant significance. To our knowledge, no occurrence of c.2931+18G>T in individuals affected with Ehlers-Danlos syndrome, classic type, 2 and no experimental evidence demonstrating its impact on protein function have been reported. No submitters have cited clinical-significance assessments for this variant to ClinVar. Based on the evidence outlined above, the variant was classified as likely benign.